The following is an entry in ClinVar:

NM_001792.5(CDH2):c.1956G>C (p.Trp652Cys)

Gene: CDH2 (cadherin 2; minus strand). Cytogenetic location: 18q12.1.
Variant type: single nucleotide variant.
Coding change: c.1956G>C on transcript NM_001792.5 (MANE Select); coding-DNA position 1956, G replaced by C.
Protein change: p.Trp652Cys; replaces tryptophan 652 with cysteine.
Molecular consequence: missense variant.
Genome position (GRCh38, 1-based): chr18:27,985,547, C>G on the plus strand (G>C on the coding strand, the complement: CDH2 is on the minus strand). VCF-style: chr18-27985547-C-G. GRCh37 (hg19) VCF-style: chr18-25565511-C-G.
Other names: c.1863G>C, p.Trp621Cys (NM_001308176.2); short protein forms W621C, W652C.
Identifiers: ClinVar variation 4070286 (VCV004070286.1).
Genomic context (GRCh38, chr18:27,985,547, plus strand): 5'-TCTCAACTGCACATATATTCAAATAATTAACCTGTTCTTACCATTAAGCCGAGTGATGGT[C>G]CAATTTCTCTTAATAGTCACTGGAGATAAAGGAAGATCAAAAGCAAATGGTCCAGCATTT-3'
Protein context (NP_001783.2, residues 642-662): PLSPVTIKRN[Trp652Cys]TITRLNGDFA

ClinVar aggregate classification (germline): Uncertain significance (1 of 4 stars; one submission).

Conditions:
Heart failure. Identifiers: MedGen C0018801, MONDO:0005252.

Submission:

Clinical Genetics Laboratory, Skane University Hospital Lund
Classification: Uncertain significance for Heart failure. Last evaluated: 2025-07-22. Review status: criteria provided, single submitter. Criteria: ACMG Guidelines, 2015. Collection method: clinical testing. Allele origin: germline. Affected: yes.
Comment: ACMG criteria applied: PM2